The following is an entry in ClinVar:

NM_001374736.1(DST):c.20287_20289delinsTAT (p.Gln6763Tyr)

Gene: DST (dystonin; minus strand). Cytogenetic location: 6p12.1.
Variant type: Indel.
Coding change: c.20287_20289delinsTAT on transcript NM_001374736.1 (MANE Select); coding-DNA positions 20287 to 20289, CAG replaced by TAT.
Protein change: p.Gln6763Tyr; replaces glutamine 6763 with tyrosine.
Molecular consequence: missense variant.
Genome position (GRCh38, 1-based): chr6:56,494,115-56,494,117, CTG replaced by ATA on the plus strand (CAG replaced by TAT on the coding strand, the reverse complement: DST is on the minus strand). VCF-style: chr6-56494115-CTG-ATA. GRCh37 (hg19) VCF-style: chr6-56358913-CTG-ATA.
Other names: c.13930_13932delinsTAT, p.Gln4644Tyr (NM_001144769.5); c.13516_13518delinsTAT, p.Gln4506Tyr (NM_001144770.2); c.20287_20289delinsTAT, p.Gln6763Tyr (NM_001374722.1); c.19327_19329delinsTAT, p.Gln6443Tyr (NM_001374729.1); c.13069_13071delinsTAT, p.Gln4357Tyr (NM_001374730.1); c.20314_20316delinsTAT, p.Gln6772Tyr (NM_001374734.1); c.13396_13398delinsTAT, p.Gln4466Tyr (NM_001386100.1, NM_183380.4); c.12418_12420delinsTAT, p.Gln4140Tyr (NM_015548.5); short protein forms Q4644Y, Q4357Y, Q4466Y, Q4506Y, Q6443Y, Q6763Y, Q6772Y, Q4140Y.
Identifiers: ClinVar variation 1771579 (VCV001771579.2), dbSNP rs2533985175, ClinGen allele CA2580075582.
Genomic context (GRCh38, chr6:56,494,115, plus strand): 5'-CAAGTTATTTATGTCTTGGTCAATATTTGTCTCTGCAGATTTTGGGCATCTTGCAAGCAT[CTG>ATA]CTGGCCTTTCTGCATCAGACTCTTATATGTTTCTTCTTTAGCTTCAAAGGCAGCACAGAC-3'
Protein context (NP_001361665.1, residues 6753-6773): TYKSLMQKGQ[Gln6763Tyr]MLARCPKSAE

ClinVar aggregate classification (germline): Uncertain significance (1 of 4 stars; one submission).

Conditions:
Inborn genetic diseases. Identifiers: MedGen C0950123, MeSH D030342.

Submission:

Ambry Genetics
Classification: Uncertain significance for Inborn genetic diseases. Last evaluated: 2022-04-19. Review status: criteria provided, single submitter. Criteria: Ambry Variant Classification Scheme 2023. Collection method: clinical testing. Allele origin: germline.
Comment: The c.13930_13932delCAGinsTAT variant, located in coding exon 77 of the DST gene, results from an in-frame deletion of CAG and insertion of TAT at nucleotide positions 13930 to 13932. This results in the substitution of the glutamine residue for a tyrosine residue at codon 4644, an amino acid with similar properties. This amino acid position is highly conserved in available vertebrate species. In addition, the in silico prediction for this alteration is inconclusive (Choi Y et al. PLoS ONE. 2012; 7(10):e46688). Since supporting evidence is limited at this time, the clinical significance of this alteration remains unclear.